The following is an entry in ClinVar:

NM_006009.4(TUBA1A):c.978A>C (p.Lys326Asn)

Gene: TUBA1A (tubulin alpha 1a; minus strand). Cytogenetic location: 12q13.12.
Variant type: single nucleotide variant.
Coding change: c.978A>C on transcript NM_006009.4 (MANE Select); coding-DNA position 978, A replaced by C.
Protein change: p.Lys326Asn; replaces lysine 326 with asparagine.
Molecular consequence: missense variant.
Genome position (GRCh38, 1-based): chr12:49,185,388, T>G on the plus strand (A>C on the coding strand, the complement: TUBA1A is on the minus strand). VCF-style: chr12-49185388-T-G. GRCh37 (hg19) VCF-style: chr12-49579171-T-G.
Other names: c.978A>C, p.Lys326Asn (NM_001270399.2); c.873A>C, p.Lys291Asn (NM_001270400.2); short protein forms K326N, K291N.
Identifiers: ClinVar variation 625487 (VCV000625487.2), dbSNP rs1565627058, ClinGen allele CA384637535.
Genomic context (GRCh38, chr12:49,185,388, plus strand): 5'-CCAATCCACAAACTGGATGGTACGCTTGGTCTTGATGGTGGCAATGGCAGCATTGACATC[T>G]TTGGGAACCACGTCACCACGGTACAACAGGCAGCAAGCCATGTATTTACCATGGCGAGGG-3'
Protein context (NP_006000.2, residues 316-336): CLLYRGDVVP[Lys326Asn]DVNAAIATIK

ClinVar aggregate classification (germline): Pathogenic (1 of 4 stars; one submission).

Conditions:
Tubulinopathy. Also called: Tubulinopathies. Identifiers: MedGen CN850169, MONDO:0100153.

Submission:

Institute of Human Genetics, FAU Erlangen, Friedrich-Alexander-Universität Erlangen-Nürnberg
Classification: Pathogenic for Tubulinopathies. Last evaluated: 2018-07-01. Review status: criteria provided, single submitter. Criteria: ACMG Guidelines, 2015. Collection method: literature only. Allele origin: de novo. Affected: yes. Observed: 1 variant allele.
Comment: The c.978A>C, p.(Lys326Asn) variant has been reported as a variant of de novo origin. This variant and associated phenotype was previously reported by Bahi-Buisson et al. Brain, 2014 PMID: 24860126. Agyria (HP:0031882); Dysgenesis of the cerebellar vermis (HP:0002195); Hypoplasia of the pons (HP:0012110); Cerebellar dysplasia (HP:0007033); no Abnormal morphology of the hippocampus (HP:0025100); Gray matter heterotopia (HP:0002281); Microcephaly (HP:0000252)

Literature cited by the submitters: PubMed 30744660; DOI 10.1101/427948.